The following is an entry in ClinVar:

ClinVar aggregate classification (germline): Uncertain significance. Review status: criteria provided, multiple submitters, no conflicts (2 of 4 stars). 3 submissions from 3 submitters: Uncertain significance (3). Last evaluated 2026-01-04.

Conditions:
AGRN-related disorder. Also called: AGRN-related condition.
Congenital myasthenic syndrome 8. Also called: Myasthenic syndrome, congenital, 8, with pre- and postsynaptic defects; MYASTHENIC SYNDROME, CONGENITAL, DUE TO AGRIN DEFICIENCY. Identifiers: Orphanet 590, MedGen C3808739, MONDO:0014052, OMIM 615120.

Allele frequency attached by ClinVar (database versions not stated): gnomAD 0.00002; ExAC 0.00003; gnomAD exomes 0.00003; TOPMed 0.00003.
gnomAD v4.1: 42 of 1,601,070 alleles (0.0026%); highest among the groups gnomAD compares: Non-Finnish European, 0.0033%; no homozygotes.

Submissions (3):

Labcorp Genetics (formerly Invitae), Labcorp
Classification: Uncertain significance for Congenital myasthenic syndrome 8. Last evaluated: 2026-01-04. Review status: criteria provided, single submitter. Criteria: Invitae Variant Classification Sherloc (09022015). Collection method: clinical testing. Allele origin: germline.
Comment: This sequence change replaces glycine, which is neutral and non-polar, with arginine, which is basic and polar, at codon 597 of the AGRN protein (p.Gly597Arg). This variant is present in population databases (rs778799404, gnomAD 0.008%). This variant has not been reported in the literature in individuals affected with AGRN-related conditions. ClinVar contains an entry for this variant (Variation ID: 1911537). An algorithm developed to predict the effect of missense changes on protein structure and function (PolyPhen-2) suggests that this variant is likely to be disruptive. In summary, the available evidence is currently insufficient to determine the role of this variant in disease. Therefore, it has been classified as a Variant of Uncertain Significance.

PreventionGenetics, part of Exact Sciences
Classification: Uncertain significance for AGRN-related condition. Last evaluated: 2025-12-16. Review status: criteria provided, single submitter. Criteria: ACMG Guidelines, 2015. Collection method: clinical testing. Allele origin: germline.
Comment: The AGRN c.1789G>A variant is predicted to result in the amino acid substitution p.Gly597Arg. To our knowledge, this variant has not been reported in the literature. This variant is reported in 0.0075% of alleles in individuals of European (Non-Finnish) descent in gnomAD. At this time, the clinical significance of this variant is uncertain due to the absence of conclusive functional and genetic evidence.

Revvity Omics, Revvity
Classification: Uncertain significance for Congenital myasthenic syndrome 8. Last evaluated: 2025-05-27. Review status: criteria provided, single submitter. Criteria: ACMG Guidelines, 2015. Collection method: clinical testing. Allele origin: germline.

NM_198576.4(AGRN):c.1789G>A (p.Gly597Arg)

Gene: AGRN (agrin; plus strand). Cytogenetic location: 1p36.33.
Variant type: single nucleotide variant.
Coding change: c.1789G>A on transcript NM_198576.4 (MANE Select); coding-DNA position 1789, G replaced by A.
Protein change: p.Gly597Arg; replaces glycine 597 with arginine.
Molecular consequence: missense variant.
Genome position (GRCh38, 1-based): chr1:1,043,723, G>A. VCF-style: chr1-1043723-G-A. GRCh37 (hg19) VCF-style: chr1-979103-G-A.
Other names: c.1789G>A, p.Gly597Arg (NM_001305275.2); c.1474G>A, p.Gly492Arg (NM_001364727.2); c.1789G>A (NM_198576.3); short protein forms G492R, G597R.
Identifiers: ClinVar variation 1911537 (VCV001911537.7), dbSNP rs778799404, ClinGen allele CA508325.
Genomic context (GRCh38, chr1:1,043,723, plus strand): 5'-GAGTGCATGCTGCACGTGCACGCCTGCACACACCAGATCAGCCTGCACGTGGCCTCAGCT[G>A]GACCCTGTGGTGAGTGAGGCCCTGGGGCCGGGCGGGCCAGGGTCCTGTGCCTCCCTCAGC-3'
Protein context (NP_940978.2, residues 587-607): HQISLHVASA[Gly597Arg]PCETCGDAVC